The following is an entry in ClinVar:

NM_199420.4(POLQ):c.5546G>C (p.Arg1849Pro)

Gene: POLQ (DNA polymerase theta; minus strand). Cytogenetic location: 3q13.33.
Variant type: single nucleotide variant.
Coding change: c.5546G>C on transcript NM_199420.4 (MANE Select); coding-DNA position 5546, G replaced by C.
Protein change: p.Arg1849Pro; replaces arginine 1849 with proline.
Molecular consequence: missense variant.
Genome position (GRCh38, 1-based): chr3:121,487,385, C>G on the plus strand (G>C on the coding strand, the complement: POLQ is on the minus strand). VCF-style: chr3-121487385-C-G. GRCh37 (hg19) VCF-style: chr3-121206232-C-G.
Other names: short protein forms R1849P.
Identifiers: ClinVar variation 2563804 (VCV002563804.2), dbSNP rs376715818, ClinGen allele CA354089938.

ClinVar aggregate classification (germline): Uncertain significance (1 of 4 stars; one submission).

Submission:

Ambry Genetics
Classification: Uncertain significance. Last evaluated: 2023-04-19. Review status: criteria provided, single submitter. Criteria: Ambry Variant Classification Scheme 2023. Collection method: clinical testing. Allele origin: germline.
Comment: The p.R1849P variant (also known as c.5546G>C), located in coding exon 16 of the POLQ gene, results from a G to C substitution at nucleotide position 5546. The arginine at codon 1849 is replaced by proline, an amino acid with dissimilar properties. This amino acid position is conserved. In addition, the in silico prediction for this alteration is inconclusive. Since supporting evidence is limited at this time, the clinical significance of this alteration remains unclear.